The following is an entry in ClinVar:

ClinVar aggregate classification (germline): Uncertain significance (1 of 4 stars; one submission).

Conditions:
Inborn genetic diseases. Identifiers: MedGen C0950123, MeSH D030342.

Submission:

Ambry Genetics
Classification: Uncertain significance for Inborn genetic diseases. Last evaluated: 2026-06-24. Review status: criteria provided, single submitter. Criteria: Ambry Variant Classification Scheme 2023. Collection method: clinical testing. Allele origin: germline.
Comment: The c.3002C>A (p.A1001E) alteration is located in exon 16 (coding exon 16) of the SCN1A gene. This alteration results from a C to A substitution at nucleotide position 3002, causing the alanine (A) at amino acid position 1001 to be replaced by a glutamic acid (E). This variant was not reported in population-based cohorts in the Genome Aggregation Database (gnomAD). This amino acid position is well conserved in available vertebrate species. This missense variant is located in a region that has a low rate of benign missense variation (Lek, 2016; Firth, 2009). The in silico prediction for this alteration is inconclusive. Based on insufficient or conflicting evidence, the clinical significance of this alteration remains unclear.

NM_001165963.4(SCN1A):c.3002C>A (p.Ala1001Glu)

Gene: SCN1A (sodium voltage-gated channel alpha subunit 1; minus strand). Cytogenetic location: 2q24.3.
Variant type: single nucleotide variant.
Coding change: c.3002C>A on transcript NM_001165963.4 (MANE Select); coding-DNA position 3002, C replaced by A.
Protein change: p.Ala1001Glu; replaces alanine 1001 with glutamic acid.
Molecular consequence: missense variant. On other transcripts: non-coding transcript variant (1).
Genome position (GRCh38, 1-based): chr2:166,036,475, G>T on the plus strand (C>A on the coding strand, the complement: SCN1A is on the minus strand). VCF-style: chr2-166036475-G-T. GRCh37 (hg19) VCF-style: chr2-166892985-G-T.
Other names: c.3002C>A, p.Ala1001Glu (NM_001202435.3, NM_001353948.2); c.2969C>A, p.Ala990Glu (NM_001353949.2, NM_001353950.2, NM_001353951.2 and 2 more transcripts); c.2966C>A, p.Ala989Glu (NM_001353954.2, NM_001353955.2); c.2918C>A, p.Ala973Glu (NM_001353957.2, NM_001353958.2, NM_001165964.3); c.2915C>A, p.Ala972Glu (NM_001353960.2); c.560C>A, p.Ala187Glu (NM_001353961.2); short protein forms A187E, A990E, A972E, A989E, A1001E, A973E.
Identifiers: ClinVar variation 5029114 (VCV005029114.1).